The following is an entry in ClinVar:

NM_001376.5(DYNC1H1):c.1564G>A (p.Glu522Lys)

Gene: DYNC1H1 (dynein cytoplasmic 1 heavy chain 1; plus strand). Cytogenetic location: 14q32.31.
Variant type: single nucleotide variant.
Coding change: c.1564G>A on transcript NM_001376.5 (MANE Select); coding-DNA position 1564, G replaced by A.
Protein change: p.Glu522Lys; replaces glutamic acid 522 with lysine.
Molecular consequence: missense variant.
Genome position (GRCh38, 1-based): chr14:101,985,789, G>A. VCF-style: chr14-101985789-G-A. GRCh37 (hg19) VCF-style: chr14-102452126-G-A.
Other names: short protein forms E522K.
Identifiers: ClinVar variation 656404 (VCV000656404.11), dbSNP rs1595600778, ClinGen allele CA391018381.

ClinVar aggregate classification (germline): Uncertain significance. Review status: criteria provided, multiple submitters, no conflicts (2 of 4 stars). 2 submissions from 2 submitters: Uncertain significance (2). Last evaluated 2026-09-09.

Conditions:
Charcot-Marie-Tooth disease axonal type 2O. Also called: CHARCOT-MARIE-TOOTH NEUROPATHY, AXONAL, TYPE 2O; CHARCOT-MARIE-TOOTH DISEASE, AXONAL, AUTOSOMAL DOMINANT, TYPE 2O; Charcot-Marie-Tooth Neuropathy Type 2O; Charcot-Marie-Tooth disease, axonal, type 20. Identifiers: Orphanet 284232, MedGen C3280220, MONDO:0013644, OMIM 614228.

Allele frequency attached by ClinVar (database versions not stated): gnomAD exomes 0.00001; TOPMed 0.00001.
gnomAD v4.1: 6 of 1,614,180 alleles (0.00037%); highest among the groups gnomAD compares: Non-Finnish European, 0.00051%; no homozygotes.

Submissions (2):

GeneDx
Classification: Uncertain significance. Last evaluated: 2026-09-09. Review status: criteria provided, single submitter. Criteria: GeneDx Variant Classification Process June 2021. Collection method: clinical testing. Allele origin: germline.
Comment: Not observed at significant frequency in large population cohorts (gnomAD); In silico analysis supports that this missense variant has a deleterious effect on protein structure/function; Has not been previously published as pathogenic or benign to our knowledge; This variant is associated with the following publications: (PMID: 25512093, 25609763, 26100331)

Labcorp Genetics (formerly Invitae), Labcorp
Classification: Uncertain significance for Charcot-Marie-Tooth disease axonal type 2O. Last evaluated: 2025-06-15. Review status: criteria provided, single submitter. Criteria: Invitae Variant Classification Sherloc (09022015). Collection method: clinical testing. Allele origin: germline.
Comment: This sequence change replaces glutamic acid, which is acidic and polar, with lysine, which is basic and polar, at codon 522 of the DYNC1H1 protein (p.Glu522Lys). This variant is not present in population databases (gnomAD no frequency). This variant has not been reported in the literature in individuals affected with DYNC1H1-related conditions. ClinVar contains an entry for this variant (Variation ID: 656404). Invitae Evidence Modeling of protein sequence and biophysical properties (such as structural, functional, and spatial information, amino acid conservation, physicochemical variation, residue mobility, and thermodynamic stability) indicates that this missense variant is expected to disrupt DYNC1H1 protein function with a positive predictive value of 95%. In summary, the available evidence is currently insufficient to determine the role of this variant in disease. Therefore, it has been classified as a Variant of Uncertain Significance.